The following is an entry in ClinVar:

NM_000069.3(CACNA1S):c.5576A>G (p.Asp1859Gly)

Gene: CACNA1S (calcium voltage-gated channel subunit alpha1 S; minus strand). Cytogenetic location: 1q32.1.
Variant type: single nucleotide variant.
Coding change: c.5576A>G on transcript NM_000069.3 (MANE Select); coding-DNA position 5576, A replaced by G.
Protein change: p.Asp1859Gly; replaces aspartic acid 1859 with glycine.
Molecular consequence: missense variant.
Genome position (GRCh38, 1-based): chr1:201,039,877, T>C on the plus strand (A>G on the coding strand, the complement: CACNA1S is on the minus strand). VCF-style: chr1-201039877-T-C. GRCh37 (hg19) VCF-style: chr1-201009005-T-C.
Other names: short protein forms D1859G.
Identifiers: ClinVar variation 392278 (VCV000392278.12), dbSNP rs1057524424, ClinGen allele CA16603473.

ClinVar aggregate classification (germline): Uncertain significance. Review status: criteria provided, multiple submitters, no conflicts (2 of 4 stars). 10 submissions from 7 submitters: Uncertain significance (10). Last evaluated 2025-03-27.

Conditions:
Hypokalemic periodic paralysis, type 1. Also called: Hypokalemic Periodic Paralysis Type 1 (AD); HypoPP. Identifiers: Orphanet 681, MedGen C3714580, MONDO:0042979, OMIM 170400.
Malignant hyperthermia, susceptibility to, 5 (MHS5). Also called: CACNA1S-Related Malignant Hyperthermia Susceptibility. Identifiers: Orphanet 423, MedGen C1866077, MONDO:0011163, OMIM 601887.
Inborn genetic diseases. Identifiers: MedGen C0950123, MeSH D030342.
Congenital myopathy 18. Also called: DIHYDROPYRIDINE RECEPTOR CONGENITAL MYOPATHY; DHPR CONGENITAL MYOPATHY; Myopathy, congenital, due to dihydropyridine receptor defect. Identifiers: MedGen C5830283, MONDO:0859514, OMIM 620246.
Thyrotoxic periodic paralysis, susceptibility to, 1 (TTPP1). Identifiers: Orphanet 79102, MedGen C2749982, MONDO:0008570, OMIM 188580.

gnomAD v4.1: 6 of 1,611,500 alleles (0.00037%); no homozygotes.

Submissions (10):

Ambry Genetics
Classification: Uncertain significance for Inborn genetic diseases. Last evaluated: 2025-03-27. Review status: criteria provided, single submitter. Criteria: Ambry Variant Classification Scheme 2023. Collection method: clinical testing. Allele origin: germline.

All of Us Research Program, National Institutes of Health
Classification: Uncertain significance for Malignant hyperthermia, susceptibility to, 5. Last evaluated: 2023-11-20. Review status: criteria provided, single submitter. Criteria: ACMG Guidelines, 2015. Collection method: clinical testing. Allele origin: germline. Inheritance: Autosomal dominant inheritance. Observed: 2 variant alleles, 2 heterozygotes.
Comment: This missense variant replaces aspartic acid with glycine at codon 1859 of the CACNA1S protein. Computational prediction suggests that this variant may not impact protein structure and function (internally defined REVEL score threshold <= 0.5, PMID: 27666373). To our knowledge, functional studies have not been reported for this variant. This variant has not been reported in individuals affected with CACNA1S-related disorders in the literature. This variant has not been identified in the general population by the Genome Aggregation Database (gnomAD). The available evidence is insufficient to determine the role of this variant in disease conclusively. Therefore, this variant is classified as a Variant of Uncertain Significance.

This study involves interpretation of variants in research participants for the purpose of population health screening. Participant phenotype was not available at the time of variant classification. Additional details can be found in publication PMID: 35346344, PMCID: PMC8962531

Color Diagnostics, LLC DBA Color Health
Classification: Uncertain significance for Malignant hyperthermia, susceptibility to, 5. Last evaluated: 2023-11-01. Review status: criteria provided, single submitter. Criteria: ACMG Guidelines, 2015. Collection method: clinical testing. Allele origin: germline.
Comment: This missense variant replaces aspartic acid with glycine at codon 1859 of the CACNA1S protein. Computational prediction suggests that this variant may not impact protein structure and function. To our knowledge, functional studies have not been reported for this variant. This variant has not been reported in individuals affected with CACNA1S-related disorders in the literature. This variant has not been identified in the general population by the Genome Aggregation Database (gnomAD). The available evidence is insufficient to determine the role of this variant in disease conclusively. Therefore, this variant is classified as a Variant of Uncertain Significance.

Genome-Nilou Lab
Classification: Uncertain significance for Malignant hyperthermia, susceptibility to, 5. Last evaluated: 2023-04-11. Review status: criteria provided, single submitter. Criteria: ACMG Guidelines, 2015. Collection method: clinical testing. Allele origin: germline. Affected: no.

Genome-Nilou Lab
Classification: Uncertain significance for Thyrotoxic periodic paralysis, susceptibility to, 1. Last evaluated: 2023-04-11. Review status: criteria provided, single submitter. Criteria: ACMG Guidelines, 2015. Collection method: clinical testing. Allele origin: germline. Affected: no.

Genome-Nilou Lab
Classification: Uncertain significance for Congenital myopathy 18. Last evaluated: 2023-04-11. Review status: criteria provided, single submitter. Criteria: ACMG Guidelines, 2015. Collection method: clinical testing. Allele origin: germline. Affected: no.

Genome-Nilou Lab
Classification: Uncertain significance for Hypokalemic periodic paralysis, type 1. Last evaluated: 2023-04-11. Review status: criteria provided, single submitter. Criteria: ACMG Guidelines, 2015. Collection method: clinical testing. Allele origin: germline. Affected: no.

Labcorp Genetics (formerly Invitae), Labcorp
Classification: Uncertain significance for Hypokalemic periodic paralysis, type 1; Malignant hyperthermia, susceptibility to, 5. Last evaluated: 2022-08-22. Review status: criteria provided, single submitter. Criteria: Invitae Variant Classification Sherloc (09022015). Collection method: clinical testing. Allele origin: germline.
Comment: This sequence change replaces aspartic acid, which is acidic and polar, with glycine, which is neutral and non-polar, at codon 1859 of the CACNA1S protein (p.Asp1859Gly). This variant is not present in population databases (gnomAD no frequency). This variant has not been reported in the literature in individuals affected with CACNA1S-related conditions. ClinVar contains an entry for this variant (Variation ID: 392278). Advanced modeling of protein sequence and biophysical properties (such as structural, functional, and spatial information, amino acid conservation, physicochemical variation, residue mobility, and thermodynamic stability) performed at Invitae indicates that this missense variant is not expected to disrupt CACNA1S protein function. In summary, the available evidence is currently insufficient to determine the role of this variant in disease. Therefore, it has been classified as a Variant of Uncertain Significance.

Fulgent Genetics
Classification: Uncertain significance for Hypokalemic periodic paralysis, type 1; Thyrotoxic periodic paralysis, susceptibility to, 1; Malignant hyperthermia, susceptibility to, 5. Last evaluated: 2022-03-03. Review status: criteria provided, single submitter. Criteria: ACMG Guidelines, 2015. Collection method: clinical testing. Allele origin: unknown.

GeneDx
Classification: Uncertain significance. Last evaluated: 2017-01-04. Review status: criteria provided, single submitter. Criteria: GeneDx Variant Classification (06012015). Collection method: clinical testing. Allele origin: germline. Affected: yes.
Comment: A variant of uncertain significance has been identified in the CACNA1S gene. The D1859G variant has not been published as a pathogenic variant, nor has it been reported as a benign variant to our knowledge. The D1859G variant is not observed in large population cohorts (Lek et al., 2016; 1000 Genomes Consortium et al., 2015; Exome Variant Server). The D1859G variant is a non-conservative amino acid substitution, which is likely to impact secondary protein structure as these residues differ in polarity, charge, size and/or other properties. However, this substitution occurs at a position that is not conserved and in silico analysis is inconsistent in its predictions as to whether or not the variant is damaging to the protein structure/function. Therefore, based on the currently available information, it is unclear whether this variant is a pathogenic variant or a rare benign variant.